The following is an entry in ClinVar:

NM_000059.4(BRCA2):c.3631G>T (p.Glu1211Ter)

Gene: BRCA2 (BRCA2 DNA repair associated; plus strand). Cytogenetic location: 13q13.1.
Variant type: single nucleotide variant.
Coding change: c.3631G>T on transcript NM_000059.4 (MANE Select); coding-DNA position 3631, G replaced by T.
Protein change: p.Glu1211Ter; replaces glutamic acid 1211 with a stop codon.
Molecular consequence: nonsense.
Genome position (GRCh38, 1-based): chr13:32,337,986, G>T. VCF-style: chr13-32337986-G-T. GRCh37 (hg19) VCF-style: chr13-32912123-G-T.
Other names: 3859G>T; short protein forms E1211*.
Identifiers: ClinVar variation 266762 (VCV000266762.14), dbSNP rs886040486, ClinGen allele CA10589214.

ClinVar aggregate classification (germline): Pathogenic. Review status: reviewed by expert panel (3 of 4 stars). 5 submissions from 5 submitters: Pathogenic (1). 4 of the submissions do not count toward it. Last evaluated 2016-10-18.

Conditions:
Hereditary cancer-predisposing syndrome. Also called: Hereditary neoplastic syndrome; Hereditary Cancer Syndrome; Neoplastic Syndromes, Hereditary; Tumor predisposition. Identifiers: Orphanet 140162, MedGen C0027672, MeSH D009386, MONDO:0015356.
Breast-ovarian cancer, familial, susceptibility to, 2 (BROVCA2). Also called: BRCA2 Hereditary Breast and Ovarian Cancer. Identifiers: Orphanet 145, MedGen C2675520, MONDO:0012933, OMIM 612555. Disease mechanism: loss of function.

Submissions (5):

Evidence-based Network for the Interpretation of Germline Mutant Alleles (ENIGMA)
Classification: Pathogenic for Breast-ovarian cancer, familial, susceptibility to, 2. Last evaluated: 2016-10-18. Review status: reviewed by expert panel. Criteria: ENIGMA BRCA1/2 Classification Criteria (2015). Collection method: curation. Allele origin: germline.
Comment: Variant allele predicted to encode a truncated non-functional protein.

Ambry Genetics
Classification: Pathogenic for Hereditary cancer-predisposing syndrome. Last evaluated: 2026-06-23. Review status: criteria provided, single submitter. Criteria: Ambry Variant Classification Scheme 2023. Collection method: clinical testing. Allele origin: germline. Not counted in ClinVar's aggregate classification.
Comment: The p.E1211* pathogenic mutation (also known as c.3631G>T), located in coding exon 10 of the BRCA2 gene, results from a G to T substitution at nucleotide position 3631. This changes the amino acid from a glutamic acid to a stop codon within coding exon 10. This variant is considered to be rare based on population cohorts in the Genome Aggregation Database (gnomAD). This alteration is expected to result in loss of function by premature protein truncation or nonsense-mediated mRNA decay. As such, this alteration is interpreted as a disease-causing mutation.

GeneDx
Classification: Pathogenic. Last evaluated: 2017-05-04. Review status: criteria provided, single submitter. Criteria: GeneDx Variant Classification (06012015). Collection method: clinical testing. Allele origin: germline. Affected: yes. Not counted in ClinVar's aggregate classification.
Comment: This variant is denoted BRCA2 c.3631G>T at the cDNA level and p.Glu1211Ter (E1211X) at the protein level. Using alternate nomenclature, this variant would be defined as BRCA2 3859G>T. The substitution creates a nonsense variant, which changes a Glutamic Acid to a premature stop codon (GAA>TAA) , and is predicted to cause loss of normal protein function through either protein truncation or nonsense-mediated mRNA decay. Although this variant has not, to our knowledge, been reported in the literature, it is considered pathogenic.

Consortium of Investigators of Modifiers of BRCA1/2 (CIMBA), c/o University of Cambridge
Classification: Pathogenic for Breast-ovarian cancer, familial, susceptibility to, 2. Last evaluated: 2015-10-02. Review status: criteria provided, single submitter. Criteria: CIMBA Mutation Classification guidelines May 2016. Collection method: clinical testing. Allele origin: germline. Not counted in ClinVar's aggregate classification.

Juno Genomics, Hangzhou Juno Genomics, Inc
Classification: Pathogenic for Breast-ovarian cancer, familial, susceptibility to, 2. Review status: criteria provided, single submitter. Criteria: ACMG Guidelines, 2015. Collection method: clinical testing. Allele origin: germline. Not counted in ClinVar's aggregate classification.
Comment: Absent from controls (or at extremely low frequency if recessive) in Genome Aggregation Database.;Null variant in a gene where loss of function (LOF) is a known mechanism of disease.;Novel missense change at an amino acid residue where a different missense change determined to be pathogenic has been seen before.